The following is an entry in ClinVar:

ClinVar aggregate classification (germline): Pathogenic/Likely pathogenic. Review status: criteria provided, multiple submitters, no conflicts (2 of 4 stars). 2 submissions from 2 submitters: Pathogenic (1); Likely pathogenic (1). Last evaluated 2025-01-14.

Conditions:
Supravalvar aortic stenosis (SVAS). Also called: Supravalvar aortic stenosis, Eisenberg type. Identifiers: Orphanet 3193, MedGen C0003499, MONDO:0008504, OMIM 185500, HP:0004381.

Submissions (2):

Labcorp Genetics (formerly Invitae), Labcorp
Classification: Pathogenic for Supravalvar aortic stenosis. Last evaluated: 2025-01-14. Review status: criteria provided, single submitter. Criteria: Invitae Variant Classification Sherloc (09022015). Collection method: clinical testing. Allele origin: germline.
Comment: This sequence change creates a premature translational stop signal (p.Pro607Leufs*68) in the ELN gene. It is expected to result in an absent or disrupted protein product. Loss-of-function variants in ELN are known to be pathogenic (PMID: 11175284). This variant is not present in population databases (gnomAD no frequency). This variant has not been reported in the literature in individuals affected with ELN-related conditions. ClinVar contains an entry for this variant (Variation ID: 163394). For these reasons, this variant has been classified as Pathogenic.

Laboratory for Molecular Medicine, Mass General Brigham Personalized Medicine
Classification: Likely pathogenic for Supravalvular aortic stenosis. Last evaluated: 2010-10-14. Review status: criteria provided, single submitter. Criteria: LMM Criteria. Collection method: clinical testing. Allele origin: germline. Observed: 1 variant allele.

Literature cited by the submitters: PubMed 11175284 (cited by Labcorp Genetics (formerly Invitae), Labcorp).

NM_000501.4(ELN):c.1733del (p.Pro578fs)

Genes: ELN-AS1 (ELN antisense RNA 1; minus strand), ELN (elastin; plus strand). Cytogenetic location: 7q11.23.
Variant type: Deletion.
Coding change: c.1733del on transcript NM_000501.4 (MANE Select); coding-DNA position 1733, one base deleted (C; older notation c.1733delC).
Protein change: p.Pro578fs; shifts the reading frame from proline 578.
Molecular consequence: frameshift variant.
Genome position (GRCh38, 1-based): chr7:74,060,487, C deleted; the last of 2 consecutive C bases (chr7:74,060,486-74,060,487); deleting either gives the same sequence. VCF-style (leftmost placement, unchanged base first): chr7-74060485-TC-T. GRCh37 (hg19) VCF-style: chr7-73474815-TC-T.
Other names: (hg19)chr7:g.73474706-73474930:c.1733delC; c.1646del, p.Pro549fs (NM_001081752.3); c.1691del, p.Pro564fs (NM_001081753.3); c.1748del, p.Pro583fs (NM_001081754.3); c.1676del, p.Pro559fs (NM_001081755.3); c.1733del, p.Pro578fs (NM_001278912.2); c.1490del, p.Pro497fs (NM_001278913.2); c.1661del, p.Pro554fs (NM_001278914.2); and 5 more; short protein forms P497fs, P568fs, P583fs, P489fs, P559fs, P564fs, P578fs, P530fs.
Identifiers: ClinVar variation 163394 (VCV000163394.6), dbSNP rs727503782, ClinGen allele CA281476.
Genomic context (GRCh38, chr7:74,060,485, plus strand): 5'-CGGCGTCCCTGGACTTGGAGTTGGTGCTGGTGTTCCTGGACTTGGAGTTGGTGCTGGTGT[TC>T]CTGGCTTCGGGGCAGGTGCAGATGAGGGAGTTAGGCGGAGCCTGTCCCCTGAGCTCAGGG-3'